The following is an entry in ClinVar:

ClinVar aggregate classification (germline): Uncertain significance (1 of 4 stars; one submission).

Conditions:
EPILEPSY, CHILDHOOD ABSENCE, SUSCEPTIBILITY TO, 2 (ECA2). Identifiers: Orphanet 64280, MedGen C1843244, OMIM 607681.
Febrile seizures, familial, 8 (FEB8). Also called: CONVULSIONS, FAMILIAL FEBRILE, 8. Identifiers: Orphanet 36387, MedGen C1969810, MONDO:0011891, OMIM 607681.

Submission:

Labcorp Genetics (formerly Invitae), Labcorp
Classification: Uncertain significance for Familial febrile seizures 8; Epilepsy, childhood absence 2. Last evaluated: 2018-08-16. Review status: criteria provided, single submitter. Criteria: Invitae Variant Classification Sherloc (09022015). Collection method: clinical testing. Allele origin: germline.
Comment: This sequence change replaces cysteine with arginine at codon 419 of the GABRG2 protein (p.Cys419Arg). The cysteine residue is moderately conserved and there is a large physicochemical difference between cysteine and arginine. This variant is not present in population databases (ExAC no frequency). This variant has not been reported in the literature in individuals with GABRG2-related disease. Algorithms developed to predict the effect of missense changes on protein structure and function are either unavailable or do not agree on the potential impact of this missense change (SIFT: "Tolerated"; PolyPhen-2: "Possibly Damaging"; Align-GVGD: "Class C0"). In summary, the available evidence is currently insufficient to determine the role of this variant in disease. Therefore, it has been classified as a Variant of Uncertain Significance.

NM_198904.4(GABRG2):c.1279T>C (p.Cys427Arg)

Gene: GABRG2 (gamma-aminobutyric acid type A receptor subunit gamma2; plus strand). Cytogenetic location: 5q34.
Variant type: single nucleotide variant.
Coding change: c.1279T>C on transcript NM_198904.4 (MANE Select); coding-DNA position 1279, T replaced by C.
Protein change: p.Cys427Arg; replaces cysteine 427 with arginine.
Molecular consequence: missense variant. On other transcripts: 3 prime UTR variant (1).
Genome position (GRCh38, 1-based): chr5:162,153,219, T>C. VCF-style: chr5-162153219-T-C. GRCh37 (hg19) VCF-style: chr5-161580225-T-C.
Other names: c.1255T>C, p.Cys419Arg (NM_000816.3); c.1270T>C, p.Cys424Arg (NM_001375339.1); c.*113T>C (NM_001375340.1); c.1276T>C, p.Cys426Arg (NM_001375341.1); c.1252T>C, p.Cys418Arg (NM_001375342.1); c.1375T>C, p.Cys459Arg (NM_001375343.1); c.1318T>C, p.Cys440Arg (NM_001375344.1); c.1189T>C, p.Cys397Arg (NM_001375345.1); and 6 more; short protein forms C467R, C419R, C427R, C279R, C287R, C324R, C397R, C398R.
Identifiers: ClinVar variation 665886 (VCV000665886.1), dbSNP rs1200142311, ClinGen allele CA362183627.
Genomic context (GRCh38, chr5:162,153,219, plus strand): 5'-GAGAGAGATGAAGAGTACGGCTATGAGTGTCTGGACGGCAAGGACTGTGCCAGTTTTTTC[T>C]GCTGTTTTGAAGATTGTCGAACAGGAGCTTGGAGACATGGGAGGATACATATCCGCATTG-3'
Protein context (NP_944494.1, residues 417-437): LDGKDCASFF[Cys427Arg]CFEDCRTGAW